The following is an entry in ClinVar:

NM_001710.6(CFB):c.299-111C>T

Gene: CFB (complement factor B; plus strand). Cytogenetic location: 6p21.33.
Variant type: single nucleotide variant.
Coding change: c.299-111C>T on transcript NM_001710.6 (MANE Select); 111 bases into the intron before coding-DNA position 299, C replaced by T.
Molecular consequence: intron variant.
Genome position (GRCh38, 1-based): chr6:31,946,896, C>T. VCF-style: chr6-31946896-C-T. GRCh37 (hg19) VCF-style: chr6-31914673-C-T.
Identifiers: ClinVar variation 4280387 (VCV004280387.1).

ClinVar aggregate classification (germline): Benign (1 of 4 stars; one submission).

Conditions:
Atypical hemolytic-uremic syndrome. Identifiers: Orphanet 2134, MedGen C2931788, MONDO:0016244.

gnomAD v4.1: 12,111 of 1,126,164 alleles (1.1%); highest among the groups gnomAD compares: South Asian, 4%; 138 homozygotes.

Submission:

Genomenon, Inc
Classification: Benign for Atypical hemolytic-uremic syndrome. Last evaluated: 2025-09-26. Review status: criteria provided, single submitter. Criteria: Genomenon Sequence Variant Interpretation Standards - Updated. Collection method: curation. Allele origin: germline. Affected: no.
Comment: CFB c.299-111C>T is a deeply intronic variant located in intron 2. This variant has been reported in the published literature (PMID:34502390). This variant is present at high allele frequency in population databases. In conclusion, we classify CFB c.299-111C>T as a benign variant.

Literature cited by the submitters: PubMed 34502390.